The following is an entry in ClinVar:

ClinVar aggregate classification (germline): Uncertain significance (1 of 4 stars; one submission).

Submission:

Dasa
Classification: Uncertain significance. Last evaluated: 2026-03-11. Review status: criteria provided, single submitter. Criteria: DASA Assertion Criteria. Collection method: clinical testing. Allele origin: germline.
Comment: NM_004369.4(COL6A3):c.2926A>G (p.Lys976Glu) is a missense variant that results in the substitution of lysine with glutamic acid. This variant is rare in population databases. The currently available literature and clinical evidence are not sufficient to establish a definitive association between this variant and the reported condition. Therefore, this variant is classified as a variant of uncertain significance.

NM_004369.4(COL6A3):c.2926A>G (p.Lys976Glu)

Gene: COL6A3 (collagen type VI alpha 3 chain; minus strand). Cytogenetic location: 2q37.3.
Variant type: single nucleotide variant.
Coding change: c.2926A>G on transcript NM_004369.4 (MANE Select); coding-DNA position 2926, A replaced by G.
Protein change: p.Lys976Glu; replaces lysine 976 with glutamic acid.
Molecular consequence: missense variant.
Genome position (GRCh38, 1-based): chr2:237,376,916, T>C on the plus strand (A>G on the coding strand, the complement: COL6A3 is on the minus strand). VCF-style: chr2-237376916-T-C. GRCh37 (hg19) VCF-style: chr2-238285559-T-C.
Other names: c.1705A>G, p.Lys569Glu (NM_057164.5); c.2308A>G, p.Lys770Glu (NM_057165.5, NM_057167.4); c.1105A>G, p.Lys369Glu (NM_057166.5); short protein forms K369E, K569E, K770E, K976E.
Identifiers: ClinVar variation 4881872 (VCV004881872.2).